The following is an entry in ClinVar:

NM_001042492.3(NF1):c.2421C>G (p.Ser807Arg)

Gene: NF1 (neurofibromin 1; plus strand). Cytogenetic location: 17q11.2.
Variant type: single nucleotide variant.
Coding change: c.2421C>G on transcript NM_001042492.3 (MANE Select); coding-DNA position 2421, C replaced by G.
Protein change: p.Ser807Arg; replaces serine 807 with arginine.
Molecular consequence: missense variant.
Genome position (GRCh38, 1-based): chr17:31,229,036, C>G. VCF-style: chr17-31229036-C-G. GRCh37 (hg19) VCF-style: chr17-29556054-C-G.
Other names: c.2421C>G, p.Ser807Arg (NM_000267.4); short protein forms S807R.
Identifiers: ClinVar variation 2076037 (VCV002076037.4), dbSNP rs771345891, ClinGen allele CA398983825.
Genomic context (GRCh38, chr17:31,229,036, plus strand): 5'-CAACTAATTAAGGTTTAATTCATGCTTTGCACAAAAATTTTGTGTTTAGGCTGCTGAAAG[C>G]CTTCACAAGACCATTGTTAAGAGGCGAATGTCCCATGTGAGTGGAGGAGGATCCATAGAT-3'
Protein context (NP_001035957.1, residues 797-817): AKMEDGQAAE[Ser807Arg]LHKTIVKRRM

ClinVar aggregate classification (germline): Uncertain significance (1 of 4 stars; one submission).

Conditions:
Neurofibromatosis, type 1 (NF1). Also called: Neurofibromatosis, type I; VON RECKLINGHAUSEN DISEASE; NEUROFIBROMATOSIS, TYPE I, SOMATIC; Peripheral type neurofibromatosis. Identifiers: Orphanet 636, MedGen C0027831, MONDO:0018975, OMIM 162200. Disease mechanism: loss of function.

Submission:

Labcorp Genetics (formerly Invitae), Labcorp
Classification: Uncertain significance for Neurofibromatosis, type 1. Last evaluated: 2022-01-06. Review status: criteria provided, single submitter. Criteria: Invitae Variant Classification Sherloc (09022015). Collection method: clinical testing. Allele origin: germline.
Comment: In summary, the available evidence is currently insufficient to determine the role of this variant in disease. Therefore, it has been classified as a Variant of Uncertain Significance. Advanced modeling of protein sequence and biophysical properties (such as structural, functional, and spatial information, amino acid conservation, physicochemical variation, residue mobility, and thermodynamic stability) performed at Invitae indicates that this missense variant is not expected to disrupt NF1 protein function. This variant has not been reported in the literature in individuals affected with NF1-related conditions. This variant is not present in population databases (gnomAD no frequency). This sequence change replaces serine, which is neutral and polar, with arginine, which is basic and polar, at codon 807 of the NF1 protein (p.Ser807Arg).